The following is an entry in ClinVar:

ClinVar aggregate classification (germline): Uncertain significance (1 of 4 stars; one submission).

Submission:

Labcorp Genetics (formerly Invitae), Labcorp
Classification: Uncertain significance. Last evaluated: 2024-09-30. Review status: criteria provided, single submitter. Criteria: Invitae Variant Classification Sherloc (09022015). Collection method: clinical testing. Allele origin: germline.
Comment: This sequence change replaces alanine, which is neutral and non-polar, with proline, which is neutral and non-polar, at codon 231 of the SLC7A14 protein (p.Ala231Pro). This variant is not present in population databases (gnomAD no frequency). This variant has not been reported in the literature in individuals affected with SLC7A14-related conditions. An algorithm developed to predict the effect of missense changes on protein structure and function (PolyPhen-2) suggests that this variant is likely to be disruptive. In summary, the available evidence is currently insufficient to determine the role of this variant in disease. Therefore, it has been classified as a Variant of Uncertain Significance.

NM_020949.3(SLC7A14):c.691G>C (p.Ala231Pro)

Genes: SLC7A14 (solute carrier family 7 member 14; minus strand), SLC7A14-AS1 (SLC7A14 antisense RNA 1; plus strand). Cytogenetic location: 3q26.2.
Variant type: single nucleotide variant.
Coding change: c.691G>C on transcript NM_020949.3 (MANE Select); coding-DNA position 691, G replaced by C.
Protein change: p.Ala231Pro; replaces alanine 231 with proline.
Molecular consequence: missense variant.
Genome position (GRCh38, 1-based): chr3:170,498,735, C>G on the plus strand (G>C on the coding strand, the complement: SLC7A14 is on the minus strand). VCF-style: chr3-170498735-C-G. GRCh37 (hg19) VCF-style: chr3-170216524-C-G.
Other names: short protein forms A231P.
Identifiers: ClinVar variation 3721951 (VCV003721951.2).
Genomic context (GRCh38, chr3:170,498,735, plus strand): 5'-AGCCGTGGGGCAAGAACTGGCCCTCCGCCCAGTATTTCCCATTGATGAAGAAGAGGCCTG[C>G]GATCATGATGAACACCCATACTGCCAGGTTCAGCACATTGAGAACATTGTTGAAGCCTAT-3'
Protein context (NP_066000.2, residues 221-241): NLAVWVFIMI[Ala231Pro]GLFFINGKYW